The following is an entry in ClinVar:

NM_139215.3(TAF15):c.913+10A>T

Gene: TAF15 (TATA-box binding protein associated factor 15; plus strand). Cytogenetic location: 17q12.
Variant type: single nucleotide variant.
Coding change: c.913+10A>T on transcript NM_139215.3 (MANE Select); 10 bases into the intron after coding-DNA position 913, A replaced by T.
Molecular consequence: intron variant.
Genome position (GRCh38, 1-based): chr17:35,838,563, A>T. VCF-style: chr17-35838563-A-T. GRCh37 (hg19) VCF-style: chr17-34165567-A-T.
Other names: c.904+10A>T (NM_003487.4).
Identifiers: ClinVar variation 3032920 (VCV003032920.2), dbSNP rs770927012, ClinGen allele CA290037978.
Genomic context (GRCh38, chr17:35,838,563, plus strand): 5'-TGTCATTTGATGACCCTCCTTCAGCTAAGGCAGCCATTGACTGGTTTGATGGTATGCCTC[A>T]TTCGTATAGTTTTCAGCATGAAGTTGGATAAATGTTTTCTAGTCTGAAAGTGAGAATATG-3'

ClinVar aggregate classification (germline): Likely benign (0 of 4 stars; one submission).

Conditions:
TAF15-related disorder. Also called: TAF15-related condition.

Allele frequency attached by ClinVar (database versions not stated): ExAC 0.00001; gnomAD 0.00004; TOPMed 0.00005.
gnomAD v4.1: 156 of 1,613,872 alleles (0.0097%); highest among the groups gnomAD compares: Non-Finnish European, 0.011%; no homozygotes.

Submission:

PreventionGenetics, part of Exact Sciences
Classification: Likely benign for TAF15-related condition. Last evaluated: 2022-12-13. Review status: no assertion criteria provided. Collection method: clinical testing. Allele origin: germline.
Comment: This variant is classified as likely benign based on ACMG/AMP sequence variant interpretation guidelines (Richards et al. 2015 PMID: 25741868, with internal and published modifications).